The following is an entry in ClinVar:

ClinVar aggregate classification (germline): Uncertain significance (1 of 4 stars; one submission).

Conditions:
Neurofibromatosis, type 1 (NF1). Also called: Peripheral type neurofibromatosis; VON RECKLINGHAUSEN DISEASE; Neurofibromatosis, type I; NEUROFIBROMATOSIS, TYPE I, SOMATIC. Identifiers: Orphanet 636, MedGen C0027831, MONDO:0018975, OMIM 162200. Disease mechanism: loss of function.

Submission:

Labcorp Genetics (formerly Invitae), Labcorp
Classification: Uncertain significance for Neurofibromatosis, type 1. Last evaluated: 2019-01-14. Review status: criteria provided, single submitter. Criteria: Invitae Variant Classification Sherloc (09022015). Collection method: clinical testing. Allele origin: germline.
Comment: This sequence change replaces threonine with arginine at codon 25 of the NF1 protein (p.Thr25Arg). The threonine residue is weakly conserved and there is a moderate physicochemical difference between threonine and arginine. This variant is not present in population databases (ExAC no frequency). This variant has not been reported in the literature in individuals with NF1-related conditions. Algorithms developed to predict the effect of missense changes on protein structure and function (SIFT, PolyPhen-2, Align-GVGD) all suggest that this variant is likely to be tolerated, but these predictions have not been confirmed by published functional studies and their clinical significance is uncertain. In summary, the available evidence is currently insufficient to determine the role of this variant in disease. Therefore, it has been classified as a Variant of Uncertain Significance.

NM_001042492.3(NF1):c.74C>G (p.Thr25Arg)

Gene: NF1 (neurofibromin 1; plus strand). Cytogenetic location: 17q11.2.
Variant type: single nucleotide variant.
Coding change: c.74C>G on transcript NM_001042492.3 (MANE Select); coding-DNA position 74, C replaced by G.
Protein change: p.Thr25Arg; replaces threonine 25 with arginine.
Molecular consequence: missense variant.
Genome position (GRCh38, 1-based): chr17:31,155,996, C>G. VCF-style: chr17-31155996-C-G. GRCh37 (hg19) VCF-style: chr17-29483014-C-G.
Other names: c.74C>G, p.Thr25Arg (NM_000267.4, NM_001128147.3); short protein forms T25R.
Identifiers: ClinVar variation 846275 (VCV000846275.6), dbSNP rs1555604874, ClinGen allele CA398988102.